The following is an entry in ClinVar:

ClinVar aggregate classification (germline): Likely benign (1 of 4 stars; one submission).

gnomAD v4.1: 6 of 1,614,130 alleles (0.00037%); highest among the groups gnomAD compares: Middle Eastern, 0.033%; no homozygotes.

Submission:

CeGaT Center for Human Genetics Tuebingen
Classification: Likely benign. Last evaluated: 2026-06-01. Review status: criteria provided, single submitter. Criteria: CeGaT Center For Human Genetics Tuebingen Variant Classification Criteria Version 2. Collection method: clinical testing. Allele origin: germline. Affected: yes. Observed: 1 variant allele.
Comment: IFT70B: BP4, BP7

NM_152517.3(IFT70B):c.1638G>C (p.Val546=)

Gene: IFT70B (intraflagellar transport 70B; minus strand). Cytogenetic location: 2q31.2.
Variant type: single nucleotide variant.
Coding change: c.1638G>C on transcript NM_152517.3 (MANE Select); coding-DNA position 1638, G replaced by C.
Protein change: p.Val546=; no amino-acid change (valine 546 retained).
Molecular consequence: synonymous variant.
Genome position (GRCh38, 1-based): chr2:177,551,126, C>G on the plus strand (G>C on the coding strand, the complement: IFT70B is on the minus strand). VCF-style: chr2-177551126-C-G. GRCh37 (hg19) VCF-style: chr2-178415854-C-G.
Identifiers: ClinVar variation 4873040 (VCV004873040.2).